The following is an entry in ClinVar:

ClinVar aggregate classification (germline): Uncertain significance. Review status: criteria provided, multiple submitters, no conflicts (2 of 4 stars). 2 submissions from 2 submitters: Uncertain significance (2). Last evaluated 2023-05-08.

Conditions:
Inborn genetic diseases. Identifiers: MedGen C0950123, MeSH D030342.
Diffuse cerebral and cerebellar atrophy - intractable seizures - progressive microcephaly syndrome. Also called: Microcephaly, progressive, with seizures and cerebral and cerebellar atrophy. Identifiers: Orphanet 404437, MedGen C4014239, MONDO:0014335, OMIM 615760.

Allele frequency attached by ClinVar (database versions not stated): TOPMed 0.00001.

Submissions (2):

Ambry Genetics
Classification: Uncertain significance for Inborn genetic diseases. Last evaluated: 2023-05-08. Review status: criteria provided, single submitter. Criteria: Ambry Variant Classification Scheme 2023. Collection method: clinical testing. Allele origin: germline.

Labcorp Genetics (formerly Invitae), Labcorp
Classification: Uncertain significance for Diffuse cerebral and cerebellar atrophy - intractable seizures - progressive microcephaly syndrome. Last evaluated: 2019-11-18. Review status: criteria provided, single submitter. Criteria: Invitae Variant Classification Sherloc (09022015). Collection method: clinical testing. Allele origin: germline.
Comment: This sequence change replaces serine with leucine at codon 8 of the QARS protein (p.Ser8Leu). The serine residue is weakly conserved and there is a large physicochemical difference between serine and leucine. This variant is not present in population databases (ExAC no frequency). This variant has not been reported in the literature in individuals with QARS-related conditions. Algorithms developed to predict the effect of missense changes on protein structure and function (SIFT, PolyPhen-2, Align-GVGD) all suggest that this variant is likely to be tolerated, but these predictions have not been confirmed by published functional studies and their clinical significance is uncertain. In summary, the available evidence is currently insufficient to determine the role of this variant in disease. Therefore, it has been classified as a Variant of Uncertain Significance.

NM_005051.3(QARS1):c.23C>T (p.Ser8Leu)

Genes: QARS1 (glutaminyl-tRNA synthetase 1; minus strand), LOC129936736 (ATAC-STARR-seq lymphoblastoid active region 19853; plus strand). Cytogenetic location: 3p21.31.
Variant type: single nucleotide variant.
Coding change: c.23C>T on transcript NM_005051.3 (MANE Select); coding-DNA position 23, C replaced by T.
Protein change: p.Ser8Leu; replaces serine 8 with leucine.
Molecular consequence: missense variant. On other transcripts: non-coding transcript variant (1).
Genome position (GRCh38, 1-based): chr3:49,104,711, G>A on the plus strand (C>T on the coding strand, the complement: QARS1 is on the minus strand). VCF-style: chr3-49104711-G-A. GRCh37 (hg19) VCF-style: chr3-49142144-G-A.
Other names: c.23C>T, p.Ser8Leu (NM_001272073.2); c.23C>T (NM_005051.1); short protein forms S8L.
Identifiers: ClinVar variation 955316 (VCV000955316.3), dbSNP rs773096335, ClinGen allele CA74482270.
Genomic context (GRCh38, chr3:49,104,711, plus strand): 5'-GCCGAGTTCTTGAGCGTCTCGCGGGCCTTCTGCTCGCTCAGGCCGAGGCTAGTGAAGAGC[G>A]ACAGGGAGTCTAGAGCCGCCATTGCAGAGACACCGGAAACTAAAAGAAACTTAGGCCCCA-3'
Protein context (NP_005042.1, residues 1-18): MAALDSL[Ser8Leu]LFTSLGLSEQ